The following is an entry in ClinVar:

ClinVar aggregate classification (germline): Likely benign (1 of 4 stars; one submission).

Allele frequency attached by ClinVar (database versions not stated): 1000 Genomes Project 30x 0.00031; ExAC 0.00035; gnomAD 0.00041; TOPMed 0.00044; 1000 Genomes Project 0.00100.

Submission:

CeGaT Center for Human Genetics Tuebingen
Classification: Likely benign. Last evaluated: 2023-04-01. Review status: criteria provided, single submitter. Criteria: CeGaT Center For Human Genetics Tuebingen Variant Classification Criteria Version 2. Collection method: clinical testing. Allele origin: germline. Affected: yes. Observed: 1 variant allele.
Comment: GSE1: BP4, BP7

NM_014615.5(GSE1):c.1149C>T (p.Arg383=)

Gene: GSE1 (Gse1 coiled-coil protein; plus strand). Cytogenetic location: 16q24.1.
Variant type: single nucleotide variant.
Coding change: c.1149C>T on transcript NM_014615.5 (MANE Select); coding-DNA position 1149, C replaced by T.
Protein change: p.Arg383=; no amino-acid change (arginine 383 retained).
Molecular consequence: synonymous variant.
Genome position (GRCh38, 1-based): chr16:85,656,502, C>T. VCF-style: chr16-85656502-C-T. GRCh37 (hg19) VCF-style: chr16-85690108-C-T.
Other names: c.837C>T, p.Arg279= (NM_001134473.3); c.930C>T, p.Arg310= (NM_001278184.3).
Identifiers: ClinVar variation 2646938 (VCV002646938.24), dbSNP rs551844911, ClinGen allele CA8214558.